The following is an entry in ClinVar:

NM_003114.5(SPAG1):c.1299C>T (p.Thr433=)

Genes: SPAG1 (sperm associated antigen 1; plus strand), LOC130000832 (ATAC-STARR-seq lymphoblastoid silent region 19412; plus strand). Cytogenetic location: 8q22.2.
Variant type: single nucleotide variant.
Coding change: c.1299C>T on transcript NM_003114.5 (MANE Select); coding-DNA position 1299, C replaced by T.
Protein change: p.Thr433=; no amino-acid change (threonine 433 retained).
Molecular consequence: synonymous variant.
Genome position (GRCh38, 1-based): chr8:100,213,292, C>T. VCF-style: chr8-100213292-C-T. GRCh37 (hg19) VCF-style: chr8-101225520-C-T.
Other names: c.1299C>T (NM_172218.2); c.1299C>T, p.Thr433= (NM_001374321.1, NM_172218.3).
Identifiers: ClinVar variation 2888902 (VCV002888902.4), dbSNP rs1468178820, ClinGen allele CA462346174.

ClinVar aggregate classification (germline): Likely benign. Review status: criteria provided, single submitter (1 of 4 stars). 2 submissions from 2 submitters: Likely benign (1). 1 of the submissions does not count toward it. Last evaluated 2025-08-14.

Conditions:
SPAG1-related disorder. Also called: SPAG1-related condition.
Primary ciliary dyskinesia 28. Also called: CILIARY DYSKINESIA, PRIMARY, 28, WITH OR WITHOUT SITUS INVERSUS. Identifiers: Orphanet 244, MedGen C3809706, MONDO:0014216, OMIM 615505.

Allele frequency attached by ClinVar (database versions not stated): TOPMed 0.00006; gnomAD 0.00003.
gnomAD v4.1: 17 of 1,224,830 alleles (0.0014%); highest among the groups gnomAD compares: Admixed American, 0.017%; 1 homozygote.

Submissions (2):

Labcorp Genetics (formerly Invitae), Labcorp
Classification: Likely benign for Primary ciliary dyskinesia 28. Last evaluated: 2025-08-14. Review status: criteria provided, single submitter. Criteria: Invitae Variant Classification Sherloc (09022015). Collection method: clinical testing. Allele origin: germline.

PreventionGenetics, part of Exact Sciences
Classification: Likely benign for SPAG1-related condition. Last evaluated: 2024-08-07. Review status: no assertion criteria provided. Collection method: clinical testing. Allele origin: germline. Not counted in ClinVar's aggregate classification.
Comment: This variant is classified as likely benign based on ACMG/AMP sequence variant interpretation guidelines (Richards et al. 2015 PMID: 25741868, with internal and published modifications).